The following is an entry in ClinVar:

ClinVar aggregate classification (germline): Uncertain significance. Review status: criteria provided, multiple submitters, no conflicts (2 of 4 stars). 2 submissions from 2 submitters: Uncertain significance (2). Last evaluated 2024-09-27.

Conditions:
Familial hypercholesterolemia. Also called: Familial hypercholesterolemias; Familial hypercholesterolaemia. Identifiers: MedGen C0020445, MONDO:0005439.
Hypercholesterolemia, autosomal dominant, 3 (FHCL3). Also called: Familial hypercholesterolemia 3; Familial Hypercholesterolemia, Autosomal Dominant, 3; PCSK9-Related Familial Hypercholesterolemia, Autosomal Dominant. Identifiers: MedGen C1863551, MONDO:0011369, OMIM 603776.

Allele frequency attached by ClinVar (database versions not stated): gnomAD exomes below 0.00001 and 0.00001; TOPMed 0.00001; gnomAD 0.00002; ExAC 0.00005; ESP Exome Variant Server 0.00008.

Submissions (2):

All of Us Research Program, National Institutes of Health
Classification: Uncertain significance for Hypercholesterolemia, autosomal dominant, 3. Last evaluated: 2024-09-27. Review status: criteria provided, single submitter. Criteria: ACMG Guidelines, 2015. Collection method: clinical testing. Allele origin: germline. Inheritance: Autosomal dominant inheritance. Observed: 1 variant allele, 1 heterozygote.
Comment: This missense variant replaces proline with serine at codon 541 of the PCSK9 protein. Computational prediction suggests that this variant may not impact protein structure and function (internally defined REVEL score threshold <= 0.5, PMID: 27666373). Splice site prediction tools suggest that this variant may not impact RNA splicing. To our knowledge, functional studies have not been performed for this variant. This variant has not been reported in individuals affected with familial hypercholesterolemia in the literature. This variant has been identified in 2/189310 chromosomes in the general population by the Genome Aggregation Database (gnomAD). The available evidence is insufficient to determine the role of this variant in disease conclusively. Therefore, this variant is classified as a Variant of Uncertain Significance.

This study involves interpretation of variants in research participants for the purpose of population health screening. Participant phenotype was not available at the time of variant classification. Additional details can be found in publication PMID: 35346344, PMCID: PMC8962531

Color Diagnostics, LLC DBA Color Health
Classification: Uncertain significance for Familial hypercholesterolemia. Last evaluated: 2019-10-21. Review status: criteria provided, single submitter. Criteria: ACMG Guidelines, 2015. Collection method: clinical testing. Allele origin: germline.
Comment: This missense variant replaces proline with serine at codon 541 of the PCSK9 protein. Computational prediction suggests that this variant may not impact protein structure and function (internally defined REVEL score threshold <= 0.5, PMID: 27666373). Splice site prediction tools suggest that this variant may not impact RNA splicing. To our knowledge, functional studies have not been performed for this variant. This variant has not been reported in individuals affected with familial hypercholesterolemia in the literature. This variant has been identified in 2/189310 chromosomes in the general population by the Genome Aggregation Database (gnomAD). The available evidence is insufficient to determine the role of this variant in disease conclusively. Therefore, this variant is classified as a Variant of Uncertain Significance.

NM_174936.4(PCSK9):c.1621C>T (p.Pro541Ser)

Gene: PCSK9 (proprotein convertase subtilisin/kexin type 9; plus strand). Cytogenetic location: 1p32.3.
Variant type: single nucleotide variant.
Coding change: c.1621C>T on transcript NM_174936.4 (MANE Select); coding-DNA position 1621, C replaced by T.
Protein change: p.Pro541Ser; replaces proline 541 with serine.
Molecular consequence: missense variant.
Genome position (GRCh38, 1-based): chr1:55,059,603, C>T. VCF-style: chr1-55059603-C-T. GRCh37 (hg19) VCF-style: chr1-55525276-C-T.
Other names: c.1744C>T, p.Pro582Ser (NM_001407240.1); c.1663C>T, p.Pro555Ser (NM_001407241.1); c.1624C>T, p.Pro542Ser (NM_001407242.1); c.1564C>T, p.Pro522Ser (NM_001407243.1); c.1447C>T, p.Pro483Ser (NM_001407244.1); c.1429C>T, p.Pro477Ser (NM_001407245.1); c.1246C>T, p.Pro416Ser (NM_001407246.1); short protein forms P541S, P416S, P555S, P582S, P483S, P522S, P477S, P542S.
Identifiers: ClinVar variation 924575 (VCV000924575.5), dbSNP rs369996097, ClinGen allele CA038172.